The following is an entry in ClinVar:

ClinVar aggregate classification (germline): Uncertain significance. Review status: criteria provided, multiple submitters, no conflicts (2 of 4 stars). 2 submissions from 2 submitters: Uncertain significance (2). Last evaluated 2024-09-08.

Allele frequency attached by ClinVar (database versions not stated): gnomAD exomes below 0.00001 and 0.00001; ExAC 0.00001; gnomAD 0.00001.
gnomAD v4.1: 7 of 1,613,980 alleles (0.00043%); highest among the groups gnomAD compares: African/African-American, 0.0013%; no homozygotes.

Submissions (2):

Ambry Genetics
Classification: Uncertain significance. Last evaluated: 2024-09-08. Review status: criteria provided, single submitter. Criteria: Ambry Variant Classification Scheme 2023. Collection method: clinical testing. Allele origin: germline.
Comment: The p.P848R variant (also known as c.2543C>G), located in coding exon 24 of the KIF1B gene, results from a C to G substitution at nucleotide position 2543. The proline at codon 848 is replaced by arginine, an amino acid with dissimilar properties. This amino acid position is conserved. In addition, this alteration is predicted to be deleterious by in silico analysis. Since supporting evidence is limited at this time, the clinical significance of this alteration remains unclear.

Institute for Clinical Genetics, University Hospital TU Dresden, University Hospital TU Dresden
Classification: Uncertain significance. Last evaluated: 2021-11-03. Review status: criteria provided, single submitter. Criteria: ACMG Guidelines, 2015. Collection method: clinical testing. Allele origin: germline.

NM_001365951.3(KIF1B):c.2681C>G (p.Pro894Arg)

Genes: KIF1B (kinesin family member 1B; plus strand), LOC126805614 (BRD4-independent group 4 enhancer GRCh37_chr1:10385546-10386745; plus strand). Cytogenetic location: 1p36.22.
Variant type: single nucleotide variant.
Coding change: c.2681C>G on transcript NM_001365951.3 (MANE Select); coding-DNA position 2681, C replaced by G.
Protein change: p.Pro894Arg; replaces proline 894 with arginine.
Molecular consequence: missense variant.
Genome position (GRCh38, 1-based): chr1:10,326,116, C>G. VCF-style: chr1-10326116-C-G. GRCh37 (hg19) VCF-style: chr1-10386174-C-G.
Other names: c.2681C>G, p.Pro894Arg (NM_001365952.1); c.2543C>G, p.Pro848Arg (NM_015074.3); short protein forms P848R, P894R.
Identifiers: ClinVar variation 1319767 (VCV001319767.6), dbSNP rs767893182, ClinGen allele CA581588.
Genomic context (GRCh38, chr1:10,326,116, plus strand): 5'-ACCAACTATTCCTCTCTCCCTGGCTGTGTTAATTGGCGTCTTACCTGGTGTCTAGCTCCC[C>G]CATTTTCCACGGCTGTGTGAACGAGCGCCTTGCCGACCGCACACCCTCCCCCACTTTTTC-3'
Protein context (NP_001352880.1, residues 884-904): FHWFKLVGSS[Pro894Arg]IFHGCVNERL